The following is an entry in ClinVar:

ClinVar aggregate classification (germline): Uncertain significance (1 of 4 stars; one submission).

Conditions:
Charcot-Marie-Tooth disease type 4. Also called: Charcot-Marie-Tooth, Type 4; Charcot-Marie-Tooth disease, type IV. Identifiers: Orphanet 64749, MedGen C4082197, MONDO:0018995.

Allele frequency attached by ClinVar (database versions not stated): ExAC 0.00001; gnomAD exomes 0.00001.
gnomAD v4.1: 19 of 1,614,174 alleles (0.0012%); highest among the groups gnomAD compares: Admixed American, 0.005%; no homozygotes.

Submission:

Labcorp Genetics (formerly Invitae), Labcorp
Classification: Uncertain significance for Charcot-Marie-Tooth disease type 4. Last evaluated: 2020-03-24. Review status: criteria provided, single submitter. Criteria: Invitae Variant Classification Sherloc (09022015). Collection method: clinical testing. Allele origin: germline.
Comment: This variant has not been reported in the literature in individuals with SH3TC2-related disease. In summary, the available evidence is currently insufficient to determine the role of this variant in disease. Therefore, it has been classified as a Variant of Uncertain Significance. Algorithms developed to predict the effect of missense changes on protein structure and function are either unavailable or do not agree on the potential impact of this missense change (SIFT: "Deleterious"; PolyPhen-2: "Possibly Damaging"; Align-GVGD: "Class C0"). This variant is present in population databases (rs772753479, ExAC 0.002%). This sequence change replaces leucine with phenylalanine at codon 1053 of the SH3TC2 protein (p.Leu1053Phe). The leucine residue is highly conserved and there is a small physicochemical difference between leucine and phenylalanine.

NM_024577.4(SH3TC2):c.3157C>T (p.Leu1053Phe)

Gene: SH3TC2 (SH3 domain and tetratricopeptide repeats 2; minus strand). Cytogenetic location: 5q32.
Variant type: single nucleotide variant.
Coding change: c.3157C>T on transcript NM_024577.4 (MANE Select); coding-DNA position 3157, C replaced by T.
Protein change: p.Leu1053Phe; replaces leucine 1053 with phenylalanine.
Molecular consequence: missense variant.
Genome position (GRCh38, 1-based): chr5:149,012,631, G>A on the plus strand (C>T on the coding strand, the complement: SH3TC2 is on the minus strand). VCF-style: chr5-149012631-G-A. GRCh37 (hg19) VCF-style: chr5-148392194-G-A.
Other names: short protein forms L1053F.
Identifiers: ClinVar variation 568346 (VCV000568346.10), dbSNP rs772753479, ClinGen allele CA3498835.
Genomic context (GRCh38, chr5:149,012,631, plus strand): 5'-GCAGGAGGCCTACCTGCAGGCACAGCTCCACCAGCTCGTCTTCCTGCATGAGGTAGTGGA[G>A]TCGCCCCGCCCCAAGCCAGGCCTCAGCAGCCTTGTCTGTCTCCCCCAGGTCAATGAAGAT-3'
Protein context (NP_078853.2, residues 1043-1063): AAEAWLGAGR[Leu1053Phe]HYLMQEDELV